The following is an entry in ClinVar:

ClinVar aggregate classification (germline): Uncertain significance. Review status: criteria provided, multiple submitters, no conflicts (2 of 4 stars). 2 submissions from 2 submitters: Uncertain significance (2). Last evaluated 2025-12-16.

Conditions:
Primary ciliary dyskinesia. Also called: Ciliary dyskinesia. Identifiers: Orphanet 244, MedGen C0008780, MONDO:0016575, HP:0012265.

Allele frequency attached by ClinVar (database versions not stated): gnomAD exomes 0.00001; ExAC 0.00002.
gnomAD v4.1: 4 of 1,614,094 alleles (0.00025%); highest among the groups gnomAD compares: African/African-American, 0.0013%; no homozygotes.

Submissions (2):

Ambry Genetics
Classification: Uncertain significance for Primary ciliary dyskinesia. Last evaluated: 2025-12-16. Review status: criteria provided, single submitter. Criteria: Ambry Variant Classification Scheme 2023. Collection method: clinical testing. Allele origin: germline.

Labcorp Genetics (formerly Invitae), Labcorp
Classification: Uncertain significance for Primary ciliary dyskinesia. Last evaluated: 2021-08-28. Review status: criteria provided, single submitter. Criteria: Invitae Variant Classification Sherloc (09022015). Collection method: clinical testing. Allele origin: germline.
Comment: This sequence change replaces glutamine with histidine at codon 632 of the DNAH5 protein (p.Gln632His). The glutamine residue is moderately conserved and there is a small physicochemical difference between glutamine and histidine. This variant is present in population databases (rs746476934, ExAC 0.003%). This variant has not been reported in the literature in individuals affected with DNAH5-related conditions. Advanced modeling of protein sequence and biophysical properties (such as structural, functional, and spatial information, amino acid conservation, physicochemical variation, residue mobility, and thermodynamic stability) performed at Invitae indicates that this missense variant is not expected to disrupt DNAH5 protein function. In summary, the available evidence is currently insufficient to determine the role of this variant in disease. Therefore, it has been classified as a Variant of Uncertain Significance.

NM_001369.3(DNAH5):c.1896G>C (p.Gln632His)

Gene: DNAH5 (dynein axonemal heavy chain 5; minus strand). Cytogenetic location: 5p15.2.
Variant type: single nucleotide variant.
Coding change: c.1896G>C on transcript NM_001369.3 (MANE Select); coding-DNA position 1896, G replaced by C.
Protein change: p.Gln632His; replaces glutamine 632 with histidine.
Molecular consequence: missense variant.
Genome position (GRCh38, 1-based): chr5:13,901,408, C>G on the plus strand (G>C on the coding strand, the complement: DNAH5 is on the minus strand). VCF-style: chr5-13901408-C-G. GRCh37 (hg19) VCF-style: chr5-13901517-C-G.
Other names: c.1896G>C (NM_001369.2); short protein forms Q632H.
Identifiers: ClinVar variation 2086150 (VCV002086150.2), dbSNP rs746476934, ClinGen allele CA3204718.